The following is an entry in ClinVar:

NM_000222.3(KIT):c.1159G>C (p.Gly387Arg)

Gene: KIT (KIT proto-oncogene, receptor tyrosine kinase; plus strand). Cytogenetic location: 4q12.
Variant type: single nucleotide variant.
Coding change: c.1159G>C on transcript NM_000222.3 (MANE Select); coding-DNA position 1159, G replaced by C.
Protein change: p.Gly387Arg; replaces glycine 387 with arginine.
Molecular consequence: missense variant.
Genome position (GRCh38, 1-based): chr4:54,709,467, G>C. VCF-style: chr4-54709467-G-C. GRCh37 (hg19) VCF-style: chr4-55575633-G-C.
Other names: c.1159G>C, p.Gly387Arg (NM_001093772.2, NM_001385285.1, NM_001385286.1); c.1162G>C, p.Gly388Arg (NM_001385284.1, NM_001385288.1, NM_001385290.1 and 1 more transcripts); short protein forms G387R, G388R.
Identifiers: ClinVar variation 4858916 (VCV004858916.1).

ClinVar aggregate classification (germline): Uncertain significance (1 of 4 stars; one submission).

Conditions:
Hereditary cancer-predisposing syndrome. Also called: Neoplastic Syndromes, Hereditary; Tumor predisposition; Hereditary Cancer Syndrome; Hereditary neoplastic syndrome. Identifiers: Orphanet 140162, MedGen C0027672, MeSH D009386, MONDO:0015356.

Submission:

Ambry Genetics
Classification: Uncertain significance for Hereditary cancer-predisposing syndrome. Last evaluated: 2026-06-03. Review status: criteria provided, single submitter. Criteria: Ambry Variant Classification Scheme 2023. Collection method: clinical testing. Allele origin: germline.
Comment: The p.G387R variant (also known as c.1159G>C), located in coding exon 7 of the KIT gene, results from a G to C substitution at nucleotide position 1159. The glycine at codon 387 is replaced by arginine, an amino acid with dissimilar properties. This amino acid position is highly conserved in available vertebrate species. In addition, the in silico prediction for this alteration is inconclusive. Based on the available evidence, the clinical significance of this variant remains unclear.